The following is an entry in ClinVar:

ClinVar aggregate classification (germline): Uncertain significance. Review status: criteria provided, multiple submitters, no conflicts (2 of 4 stars). 3 submissions from 3 submitters: Uncertain significance (3). Last evaluated 2026-06-26.

Conditions:
Autosomal dominant nonsyndromic hearing loss 1. Also called: KONIGSMARK SYNDROME; DEAFNESS, AUTOSOMAL DOMINANT 1, WITH OR WITHOUT THROMBOCYTOPENIA. Identifiers: Orphanet 90635, MedGen C1852282, MONDO:0007424, OMIM 124900.
Progressive microcephaly-seizures-cortical blindness-developmental delay syndrome. Also called: Seizures, cortical blindness, and microcephaly syndrome. Identifiers: Orphanet 477814, MedGen C5567650, MONDO:0014714, OMIM 616632.
DIAPH1-related disorder. Also called: DIAPH1-related condition.
Inborn genetic diseases. Identifiers: MedGen C0950123, MeSH D030342.

Allele frequency attached by ClinVar (database versions not stated): gnomAD 0.00001; gnomAD exomes 0.00003 and 0.00004; TOPMed 0.00003; ExAC 0.00005; ESP Exome Variant Server 0.00008.
gnomAD v4.1: 53 of 1,613,798 alleles (0.0033%); highest among the groups gnomAD compares: Non-Finnish European, 0.0045%; no homozygotes.

Submissions (3):

PreventionGenetics, part of Exact Sciences
Classification: Uncertain significance for DIAPH1-related condition. Last evaluated: 2026-06-26. Review status: criteria provided, single submitter. Criteria: ACMG Guidelines, 2015. Collection method: clinical testing. Allele origin: germline.
Comment: The DIAPH1 c.1015A>G variant is predicted to result in the amino acid substitution p.Met339Val. To our knowledge, this variant has not been reported in the literature. This variant is reported in 0.0062% of alleles in individuals of European (Non-Finnish) descent in gnomAD. At this time, the clinical significance of this variant is uncertain due to the absence of conclusive functional and genetic evidence.

Labcorp Genetics (formerly Invitae), Labcorp
Classification: Uncertain significance for Progressive microcephaly-seizures-cortical blindness-developmental delay syndrome; Autosomal dominant nonsyndromic hearing loss 1. Last evaluated: 2024-07-25. Review status: criteria provided, single submitter. Criteria: Invitae Variant Classification Sherloc (09022015). Collection method: clinical testing. Allele origin: germline.
Comment: This sequence change replaces methionine, which is neutral and non-polar, with valine, which is neutral and non-polar, at codon 339 of the DIAPH1 protein (p.Met339Val). This variant is present in population databases (rs374115798, gnomAD 0.005%). This variant has not been reported in the literature in individuals affected with DIAPH1-related conditions. ClinVar contains an entry for this variant (Variation ID: 1374657). Experimental studies and prediction algorithms are not available or were not evaluated, and the functional significance of this variant is currently unknown. In summary, the available evidence is currently insufficient to determine the role of this variant in disease. Therefore, it has been classified as a Variant of Uncertain Significance.

Ambry Genetics
Classification: Uncertain significance for Inborn genetic diseases. Last evaluated: 2024-06-10. Review status: criteria provided, single submitter. Criteria: Ambry Variant Classification Scheme 2023. Collection method: clinical testing. Allele origin: germline.

NM_005219.5(DIAPH1):c.1015A>G (p.Met339Val)

Gene: DIAPH1 (diaphanous related formin 1; minus strand). Cytogenetic location: 5q31.3.
Variant type: single nucleotide variant.
Coding change: c.1015A>G on transcript NM_005219.5 (MANE Select); coding-DNA position 1015, A replaced by G.
Protein change: p.Met339Val; replaces methionine 339 with valine.
Molecular consequence: missense variant.
Genome position (GRCh38, 1-based): chr5:141,578,544, T>C on the plus strand (A>G on the coding strand, the complement: DIAPH1 is on the minus strand). VCF-style: chr5-141578544-T-C. GRCh37 (hg19) VCF-style: chr5-140958111-T-C.
Other names: c.988A>G, p.Met330Val (NM_001079812.3); c.1015A>G, p.Met339Val (NM_001314007.2); c.1015A>G (NM_005219.4); short protein forms M339V, M330V.
Identifiers: ClinVar variation 1374657 (VCV001374657.8), dbSNP rs374115798, ClinGen allele CA3479415.